The following is an entry in ClinVar:

NM_002890.3(RASA1):c.203G>C (p.Gly68Ala)

Gene: RASA1 (RAS p21 protein activator 1; plus strand). Cytogenetic location: 5q14.3.
Variant type: single nucleotide variant.
Coding change: c.203G>C on transcript NM_002890.3 (MANE Select); coding-DNA position 203, G replaced by C.
Protein change: p.Gly68Ala; replaces glycine 68 with alanine.
Molecular consequence: missense variant.
Genome position (GRCh38, 1-based): chr5:87,268,654, G>C. VCF-style: chr5-87268654-G-C. GRCh37 (hg19) VCF-style: chr5-86564471-G-C.
Other names: short protein forms G68A.
Identifiers: ClinVar variation 995675 (VCV000995675.11), dbSNP rs771016186, ClinGen allele CA3335349.
Genomic context (GRCh38, chr5:87,268,654, plus strand): 5'-CCTATCCTGGGCTGGTGGAGACCGGAGTGGCTGGAACTCTGGGTGGCGGAGCCGCTTTGG[G>C]GTCAGAGTTCCTAGGAGCCGGGTCTGTGGCAGGGGCACTGGGGGGAGCTGGACTGACAGG-3'
Protein context (NP_002881.1, residues 58-78): AGTLGGGAAL[Gly68Ala]SEFLGAGSVA

ClinVar aggregate classification (germline): Conflicting classifications of pathogenicity. Review status: criteria provided, conflicting classifications (1 of 4 stars). 3 submissions from 3 submitters: Uncertain significance (2); Likely benign (1). Last evaluated 2025-12-21.

Conditions:
Capillary malformation-arteriovenous malformation syndrome. Also called: Capillary malformation-arteriovenous malformation. Identifiers: Orphanet 137667, MedGen C1842180, MONDO:0012016.
Cardiovascular phenotype. Identifiers: MedGen CN230736.

Allele frequency attached by ClinVar (database versions not stated): TOPMed below 0.00001; ExAC 0.00001; gnomAD 0.00001; gnomAD exomes 0.00002.
gnomAD v4.1: 50 of 1,611,242 alleles (0.0031%); highest among the groups gnomAD compares: Non-Finnish European, 0.0042%; no homozygotes.

Submissions (3):

Labcorp Genetics (formerly Invitae), Labcorp
Classification: Uncertain significance for Capillary malformation-arteriovenous malformation syndrome. Last evaluated: 2025-12-21. Review status: criteria provided, single submitter. Criteria: Invitae Variant Classification Sherloc (09022015). Collection method: clinical testing. Allele origin: germline.
Comment: This sequence change replaces glycine, which is neutral and non-polar, with alanine, which is neutral and non-polar, at codon 68 of the RASA1 protein (p.Gly68Ala). This variant is present in population databases (rs771016186, gnomAD 0.005%). This variant has not been reported in the literature in individuals affected with RASA1-related conditions. ClinVar contains an entry for this variant (Variation ID: 995675). An algorithm developed to predict the effect of missense changes on protein structure and function (PolyPhen-2) suggests that this variant is likely to be disruptive. In summary, the available evidence is currently insufficient to determine the role of this variant in disease. Therefore, it has been classified as a Variant of Uncertain Significance.

Ambry Genetics
Classification: Likely benign for Cardiovascular phenotype. Last evaluated: 2023-12-04. Review status: criteria provided, single submitter. Criteria: Ambry Variant Classification Scheme 2023. Collection method: clinical testing. Allele origin: germline.

ARUP Laboratories, Molecular Genetics and Genomics, ARUP Laboratories
Classification: Uncertain significance. Last evaluated: 2020-07-14. Review status: criteria provided, single submitter. Criteria: ARUP Molecular Germline Variant Investigation Process. Collection method: clinical testing. Allele origin: germline.
Comment: The RASA1 c.203G>C; p.Gly68Ala variant (rs771016186), to our knowledge, is not reported in the medical literature or gene specific databases. This variant is found in the general population with an allele frequency of 0.00021% (5/241,666 alleles) in the Genome Aggregation Database. The glycine at codon 68 is weakly conserved, and computational analyses (SIFT, PolyPhen-2) predict that this variant is tolerated. Although the majority of pathogenic variants identified in RASA1 are truncating variants, due to limited information, this variant is considered to be likely benign.